The following is an entry in ClinVar:

NM_024408.4(NOTCH2):c.4002C>G (p.Pro1334=)

Gene: NOTCH2 (notch receptor 2; minus strand). Cytogenetic location: 1p12.
Variant type: single nucleotide variant.
Coding change: c.4002C>G on transcript NM_024408.4 (MANE Select); coding-DNA position 4002, C replaced by G.
Protein change: p.Pro1334=; no amino-acid change (proline 1334 retained).
Molecular consequence: synonymous variant.
Genome position (GRCh38, 1-based): chr1:119,926,502, G>C on the plus strand (C>G on the coding strand, the complement: NOTCH2 is on the minus strand). VCF-style: chr1-119926502-G-C. GRCh37 (hg19) VCF-style: chr1-120469125-G-C.
Other names: c.4002C>G (NM_024408.3).
Identifiers: ClinVar variation 595890 (VCV000595890.15), dbSNP rs1390174762, ClinGen allele CA420038827.

ClinVar aggregate classification (germline): Conflicting classifications of pathogenicity. Review status: criteria provided, conflicting classifications (1 of 4 stars). 3 submissions from 3 submitters: Uncertain significance (1); Likely benign (1). 1 of the submissions does not count toward it. Last evaluated 2021-06-19.

Conditions:
NOTCH2-related disorder. Also called: NOTCH2-related condition.
Hajdu-Cheney syndrome (HJCYS). Also called: Acroosteolysis dominant type; ACROOSTEOLYSIS WITH OSTEOPOROSIS AND CHANGES IN SKULL AND MANDIBLE; SERPENTINE FIBULA-POLYCYSTIC KIDNEY SYNDROME. Identifiers: Orphanet 955, MedGen C0917715, MONDO:0007057, OMIM 102500.

Allele frequency attached by ClinVar (database versions not stated): gnomAD exomes below 0.00001; gnomAD 0.00001 and 0.00002; TOPMed 0.00002.
gnomAD v4.1: 3 of 1,598,508 alleles (0.00019%); highest among the groups gnomAD compares: African/African-American, 0.004%; no homozygotes.

Submissions (3):

Labcorp Genetics (formerly Invitae), Labcorp
Classification: Likely benign for Hajdu-Cheney syndrome. Last evaluated: 2021-06-19. Review status: criteria provided, single submitter. Criteria: Invitae Variant Classification Sherloc (09022015). Collection method: clinical testing. Allele origin: germline.

Eurofins Ntd Llc (ga)
Classification: Uncertain significance. Last evaluated: 2018-01-26. Review status: criteria provided, single submitter. Criteria: EGL Classification Definitions 2015. Collection method: clinical testing. Allele origin: germline. Observed: 1 variant allele, 1 heterozygote.

PreventionGenetics, part of Exact Sciences
Classification: Likely benign for NOTCH2-related condition. Last evaluated: 2023-02-15. Review status: no assertion criteria provided. Collection method: clinical testing. Allele origin: germline. Not counted in ClinVar's aggregate classification.
Comment: This variant is classified as likely benign based on ACMG/AMP sequence variant interpretation guidelines (Richards et al. 2015 PMID: 25741868, with internal and published modifications).